The following is an entry in ClinVar:

NM_014845.6(FIG4):c.2464G>C (p.Val822Leu)

Gene: FIG4 (FIG4 phosphoinositide 5-phosphatase; plus strand). Cytogenetic location: 6q21.
Variant type: single nucleotide variant.
Coding change: c.2464G>C on transcript NM_014845.6 (MANE Select); coding-DNA position 2464, G replaced by C.
Protein change: p.Val822Leu; replaces valine 822 with leucine.
Molecular consequence: missense variant.
Genome position (GRCh38, 1-based): chr6:109,796,769, G>C. VCF-style: chr6-109796769-G-C. GRCh37 (hg19) VCF-style: chr6-110117972-G-C.
Other names: short protein forms V822L.
Identifiers: ClinVar variation 476861 (VCV000476861.6), dbSNP rs1208125100, ClinGen allele CA365219823.

ClinVar aggregate classification (germline): Uncertain significance (1 of 4 stars; one submission).

Conditions:
Charcot-Marie-Tooth disease type 4. Also called: Charcot-Marie-Tooth disease, type IV; Charcot-Marie-Tooth, Type 4. Identifiers: Orphanet 64749, MedGen C4082197, MONDO:0018995.

Allele frequency attached by ClinVar (database versions not stated): TOPMed below 0.00001; gnomAD 0.00001.
gnomAD v4.1: 2 of 1,602,088 alleles (0.00012%); highest among the groups gnomAD compares: Non-Finnish European, 0.00017%; no homozygotes.

Submission:

Labcorp Genetics (formerly Invitae), Labcorp
Classification: Uncertain significance for Charcot-Marie-Tooth disease type 4. Last evaluated: 2023-07-17. Review status: criteria provided, single submitter. Criteria: Invitae Variant Classification Sherloc (09022015). Collection method: clinical testing. Allele origin: germline.
Comment: This variant has not been reported in the literature in individuals affected with FIG4-related conditions. ClinVar contains an entry for this variant (Variation ID: 476861). An algorithm developed to predict the effect of missense changes on protein structure and function (PolyPhen-2) suggests that this variant is likely to be tolerated. In summary, the available evidence is currently insufficient to determine the role of this variant in disease. Therefore, it has been classified as a Variant of Uncertain Significance. This variant is not present in population databases (gnomAD no frequency). This sequence change replaces valine, which is neutral and non-polar, with leucine, which is neutral and non-polar, at codon 822 of the FIG4 protein (p.Val822Leu).